The following continues an entry in ClinVar:

NM_005476.7(GNE):c.1760T>C (p.Ile587Thr)

Gene: GNE. ClinVar aggregate classification (germline): Pathogenic. Pathogenic (15).

Submissions 13 to 17 of 17:

CeGaT Center for Human Genetics Tuebingen
Classification: Pathogenic. Last evaluated: 2023-02-01. Review status: criteria provided, single submitter. Criteria: CeGaT Center For Human Genetics Tuebingen Variant Classification Criteria Version 2. Collection method: clinical testing. Allele origin: germline. Affected: yes. Observed: 2 variant alleles.
Comment: GNE: PM3:Strong, PM1, PM2, PP4:Moderate, PP2

Women's Health and Genetics/Laboratory Corporation of America, LabCorp
Classification: Pathogenic for GNE myopathy. Last evaluated: 2022-04-24. Review status: criteria provided, single submitter. Criteria: LabCorp Variant Classification Summary - May 2015. Collection method: clinical testing. Allele origin: germline.
Comment: Variant summary: GNE c.1853T>C (p.Ile618Thr) results in a non-conservative amino acid change located in the ATPase, nucleotide binding domain (IPR043129) of the encoded protein sequence. Three of five in-silico tools predict a damaging effect of the variant on protein function. The variant allele was found at a frequency of 4e-06 in 251492 control chromosomes. c.1853T>C has been reported in the literature as a founder mutation of Roma origin in homozygous and compound heterozygous genotypes among individuals affected with Inclusion Body Myopathy 2 (example, Tasca_2012, Chaouch_2014, Chamova_2015). These data indicate that the variant is very likely to be associated with disease. To our knowledge, no experimental evidence demonstrating an impact on protein function has been reported. Eight clinical diagnostic laboratories have submitted clinical-significance assessments for this variant to ClinVar after 2014 without evidence for independent evaluation. All laboratories classified the variant as pathogenic/likely pathogenic. Based on the evidence outlined above, the variant was classified as pathogenic.

Eurofins Ntd Llc (ga)
Classification: Pathogenic. Last evaluated: 2016-06-01. Review status: criteria provided, single submitter. Criteria: EGL Classification Definitions 2015. Collection method: clinical testing. Allele origin: germline. Observed: 2 variant alleles, 1 heterozygote, 1 homozygote.

Counsyl
Classification: Pathogenic for GNE myopathy. Last evaluated: 2018-12-03. Review status: no assertion criteria provided. Collection method: clinical testing. Allele origin: unknown. Not counted in ClinVar's aggregate classification.

GeneReviews
No classification provided. Condition: GNE myopathy. Review status: no classification provided. Collection method: literature only. Allele origin: germline. Not counted in ClinVar's aggregate classification.

Literature cited by the submitters: PubMed 24027297 (cited by 3billion and GeneReviews); PubMed 12497639 (cited by 4 submitters); PubMed 26231298 (cited by 5 submitters); PubMed 24695763 (cited by 5 submitters); PubMed 16503651 (cited by 4 submitters); PubMed 33250842 (cited by Natera, Inc.); PubMed 35398442 (cited by Dasa); PubMed 32419263 (cited by Dasa); PubMed 29480215 (cited by Dasa); PubMed 30842975 (cited by Dasa); PubMed 28615891 (cited by Dasa); PubMed 22343627 (cited by Dasa); PubMed 29720219 (cited by Dasa); PubMed 22196754 (cited by Dasa and Counsyl); PubMed 20300792 (cited by 3 submitters); PubMed 22231866 (cited by Women's Health and Genetics/Laboratory Corporation of America, LabCorp); PubMed 26627873 (cited by Eurofins Ntd Llc (ga)); PubMed 27858732 (cited by Counsyl and GeneReviews); PubMed 21307865 (cited by Counsyl); PubMed 24796702 (cited by GeneReviews); PubMed 20301439 (cited by GeneReviews).